The following is an entry in ClinVar:

NM_198586.3(NHLRC1):c.845C>G (p.Pro282Arg)

Gene: NHLRC1 (NHL repeat containing E3 ubiquitin protein ligase 1; minus strand). Cytogenetic location: 6p22.3.
Variant type: single nucleotide variant.
Coding change: c.845C>G on transcript NM_198586.3 (MANE Select); coding-DNA position 845, C replaced by G.
Protein change: p.Pro282Arg; replaces proline 282 with arginine.
Molecular consequence: missense variant.
Genome position (GRCh38, 1-based): chr6:18,121,762, G>C on the plus strand (C>G on the coding strand, the complement: NHLRC1 is on the minus strand). VCF-style: chr6-18121762-G-C. GRCh37 (hg19) VCF-style: chr6-18121993-G-C.
Other names: short protein forms P282R.
Identifiers: ClinVar variation 1372609 (VCV001372609.8), dbSNP rs2150702844, ClinGen allele CA362825970.

ClinVar aggregate classification (germline): Uncertain significance (1 of 4 stars; one submission).

Conditions:
Lafora disease. Also called: Epilepsy progressive myoclonic 2; Progressive Myoclonus Epilepsy, Lafora Type. Identifiers: Orphanet 501, MedGen C0751783, MONDO:0009697.

Submission:

Labcorp Genetics (formerly Invitae), Labcorp
Classification: Uncertain significance for Lafora disease. Last evaluated: 2021-02-15. Review status: criteria provided, single submitter. Criteria: Invitae Variant Classification Sherloc (09022015). Collection method: clinical testing. Allele origin: germline.
Comment: In summary, the available evidence is currently insufficient to determine the role of this variant in disease. Therefore, it has been classified as a Variant of Uncertain Significance. Algorithms developed to predict the effect of missense changes on protein structure and function (SIFT, PolyPhen-2, Align-GVGD) all suggest that this variant is likely to be tolerated, but these predictions have not been confirmed by published functional studies and their clinical significance is uncertain. This variant has not been reported in the literature in individuals with NHLRC1-related conditions. This variant is not present in population databases (ExAC no frequency). This sequence change replaces proline with arginine at codon 282 of the NHLRC1 protein (p.Pro282Arg). The proline residue is highly conserved and there is a moderate physicochemical difference between proline and arginine.